The following is an entry in ClinVar:

ClinVar aggregate classification (germline): Uncertain significance (1 of 4 stars; one submission).

Conditions:
Kennedy disease (SMAX1). Also called: SPINAL AND BULBAR MUSCULAR ATROPHY, X-LINKED 1; KENNEDY SPINAL AND BULBAR MUSCULAR ATROPHY; Spinal and Bulbar Muscular Atrophy. Identifiers: Orphanet 481, MedGen C1839259, MONDO:0010735, OMIM 313200.
Androgen resistance syndrome (AIS). Also called: DHTR DEFICIENCY; DIHYDROTESTOSTERONE RECEPTOR DEFICIENCY; ANDROGEN RECEPTOR DEFICIENCY; TESTICULAR FEMINIZATION SYNDROME; Androgen insensitivity syndrome; Androgen insensitivity. Identifiers: Orphanet 754, Orphanet 99429, MedGen C0039585, MONDO:0019154, OMIM 300068. Disease mechanism: loss of function.

Allele frequency attached by ClinVar (database versions not stated): gnomAD exomes below 0.00001.
gnomAD v4.1: 1 of 1,172,293 alleles (0.000085%); highest among the groups gnomAD compares: Non-Finnish European, 0.00011%; no homozygotes.

Submission:

Labcorp Genetics (formerly Invitae), Labcorp
Classification: Uncertain significance for Kennedy disease; Androgen resistance syndrome. Last evaluated: 2023-12-09. Review status: criteria provided, single submitter. Criteria: Invitae Variant Classification Sherloc (09022015). Collection method: clinical testing. Allele origin: germline.
Comment: This sequence change replaces glutamic acid, which is acidic and polar, with valine, which is neutral and non-polar, at codon 442 of the AR protein (p.Glu442Val). This variant is not present in population databases (gnomAD no frequency). This missense change has been observed in individual(s) with nonobstructive azoospermia (PMID: 33728612). Advanced modeling of protein sequence and biophysical properties (such as structural, functional, and spatial information, amino acid conservation, physicochemical variation, residue mobility, and thermodynamic stability) has been performed at Invitae for this missense variant, however the output from this modeling did not meet the statistical confidence thresholds required to predict the impact of this variant on AR protein function. In summary, the available evidence is currently insufficient to determine the role of this variant in disease. Therefore, it has been classified as a Variant of Uncertain Significance.

Literature cited by the submitters: PubMed 33728612.

NM_000044.6(AR):c.1325A>T (p.Glu442Val)

Gene: AR (androgen receptor; plus strand). Cytogenetic location: Xq12.
Variant type: single nucleotide variant.
Coding change: c.1325A>T on transcript NM_000044.6 (MANE Select); coding-DNA position 1325, A replaced by T.
Protein change: p.Glu442Val; replaces glutamic acid 442 with valine.
Molecular consequence: missense variant. On other transcripts: 5 prime UTR variant (1).
Genome position (GRCh38, 1-based): chrX:67,546,471, A>T. VCF-style: chrX-67546471-A-T. GRCh37 (hg19) VCF-style: chrX-66766313-A-T.
Other names: c.-459A>T (NM_001011645.3); c.1325A>T, p.Glu442Val (NM_001348061.1, NM_001348063.1, NM_001348064.1 and 1 more transcripts); short protein forms E442V.
Identifiers: ClinVar variation 2935018 (VCV002935018.3), dbSNP rs772400835, ClinGen allele CA413426996.